The following is an entry in ClinVar:

NM_006348.5(COG5):c.638A>G (p.Lys213Arg)

Gene: COG5 (component of oligomeric golgi complex 5; minus strand). Cytogenetic location: 7q22.3.
Variant type: single nucleotide variant.
Coding change: c.638A>G on transcript NM_006348.5 (MANE Select); coding-DNA position 638, A replaced by G.
Protein change: p.Lys213Arg; replaces lysine 213 with arginine.
Molecular consequence: missense variant. On other transcripts: intron variant (2).
Genome position (GRCh38, 1-based): chr7:107,412,533, T>C on the plus strand (A>G on the coding strand, the complement: COG5 is on the minus strand). VCF-style: chr7-107412533-T-C. GRCh37 (hg19) VCF-style: chr7-107052978-T-C.
Other names: c.638A>G, p.Lys213Arg (NM_001161520.2, NM_001379511.1, NM_001379512.1 and 3 more transcripts); c.235-50423A>G (NM_001379516.1); c.539-114187A>G (NM_001379515.1); short protein forms K213R.
Identifiers: ClinVar variation 2015537 (VCV002015537.4), dbSNP rs2536742911, ClinGen allele CA368938797.
Genomic context (GRCh38, chr7:107,412,533, plus strand): 5'-ACATTAAAAAACAGTCTTATTTTTATTACCTGAGTCTCCAAACCCTGCTCTAGTAGGCGC[T>C]TAGCTTGATTTTCCACTTCAAGTCGGGCTCTTGCAATAAAAAGTAGATCATTTTCTATCA-3'
Protein context (NP_006339.4, residues 203-223): RARLEVENQA[Lys213Arg]RLLEQGLETQ

ClinVar aggregate classification (germline): Uncertain significance (1 of 4 stars; one submission).

Conditions:
COG5-congenital disorder of glycosylation. Also called: CDG IIi; CONGENITAL DISORDER OF GLYCOSYLATION, TYPE IIi; COG5-CDG. Identifiers: Orphanet 263487, MedGen C3150876, MONDO:0013325, OMIM 613612.

Submission:

Labcorp Genetics (formerly Invitae), Labcorp
Classification: Uncertain significance for COG5-congenital disorder of glycosylation. Last evaluated: 2024-04-08. Review status: criteria provided, single submitter. Criteria: Invitae Variant Classification Sherloc (09022015). Collection method: clinical testing. Allele origin: germline.
Comment: This sequence change replaces lysine, which is basic and polar, with arginine, which is basic and polar, at codon 244 of the COG5 protein (p.Lys244Arg). This variant is not present in population databases (gnomAD no frequency). This variant has not been reported in the literature in individuals affected with COG5-related conditions. ClinVar contains an entry for this variant (Variation ID: 2015537). Algorithms developed to predict the effect of missense changes on protein structure and function output the following: SIFT: "Not Available"; PolyPhen-2: "Benign"; Align-GVGD: "Not Available". The arginine amino acid residue is found in multiple mammalian species, which suggests that this missense change does not adversely affect protein function. In summary, the available evidence is currently insufficient to determine the role of this variant in disease. Therefore, it has been classified as a Variant of Uncertain Significance.